The following is an entry in ClinVar:

ClinVar aggregate classification (germline): Uncertain significance. Review status: criteria provided, multiple submitters, no conflicts (2 of 4 stars). 3 submissions from 3 submitters: Uncertain significance (3). Last evaluated 2024-09-13.

Conditions:
Autosomal dominant nonsyndromic hearing loss 13. Identifiers: Orphanet 90635, MedGen C1866095, MONDO:0011159, OMIM 601868.
Otospondylomegaepiphyseal dysplasia, autosomal recessive (OSMEDB). Also called: CHONDRODYSTROPHY WITH SENSORINEURAL DEAFNESS; Insley-Astley syndrome. Identifiers: Orphanet 1427, MedGen CN034493, MONDO:0044206, OMIM 215150.
Otospondylomegaepiphyseal dysplasia, autosomal dominant (OSMEDA). Also called: COL11A2-Related Stickler Syndrome; Pierre Robin syndrome with fetal chondrodysplasia; Stickler syndrome, type 3. Identifiers: Orphanet 166100, Orphanet 3450, MedGen C1848488, MONDO:0008490, OMIM 184840.
Fibrochondrogenesis 2 (FBCG2). Identifiers: Orphanet 2021, MedGen C3281128, MONDO:0013795, OMIM 614524.
Autosomal recessive nonsyndromic hearing loss 53. Identifiers: Orphanet 90636, MedGen C1864746, MONDO:0012333, OMIM 609706.

gnomAD v4.1: 1 of 1,612,962 alleles (0.000062%); highest among the groups gnomAD compares: South Asian, 0.0011%; no homozygotes.

Submissions (3):

Women's Health and Genetics/Laboratory Corporation of America, LabCorp
Classification: Uncertain significance. Last evaluated: 2024-09-13. Review status: criteria provided, single submitter. Criteria: LabCorp Variant Classification Summary - May 2015. Collection method: clinical testing. Allele origin: germline.
Comment: Variant summary: COL11A2 c.3118C>T (p.Pro1040Ser) results in a non-conservative amino acid change in the encoded protein sequence. Four of five in-silico tools predict a damaging effect of the variant on protein function. The variant was absent in 245336 control chromosomes. The available data on variant occurrences in the general population are insufficient to allow any conclusion about variant significance. To our knowledge, no occurrence of c.3118C>T in individuals affected with COL11A2-Related Disorders and no experimental evidence demonstrating its impact on protein function have been reported. ClinVar contains an entry for this variant (Variation ID: 2117389). Based on the evidence outlined above, the variant was classified as uncertain significance.

Labcorp Genetics (formerly Invitae), Labcorp
Classification: Uncertain significance. Last evaluated: 2022-03-26. Review status: criteria provided, single submitter. Criteria: Invitae Variant Classification Sherloc (09022015). Collection method: clinical testing. Allele origin: germline.
Comment: In summary, the available evidence is currently insufficient to determine the role of this variant in disease. Therefore, it has been classified as a Variant of Uncertain Significance. Advanced modeling of protein sequence and biophysical properties (such as structural, functional, and spatial information, amino acid conservation, physicochemical variation, residue mobility, and thermodynamic stability) performed at Invitae indicates that this missense variant is not expected to disrupt COL11A2 protein function. This variant has not been reported in the literature in individuals affected with COL11A2-related conditions. This variant is not present in population databases (gnomAD no frequency). This sequence change replaces proline, which is neutral and non-polar, with serine, which is neutral and polar, at codon 1040 of the COL11A2 protein (p.Pro1040Ser).

Juno Genomics, Hangzhou Juno Genomics, Inc
Classification: Uncertain significance for Autosomal dominant nonsyndromic hearing loss 13; Autosomal recessive nonsyndromic hearing loss 53; Fibrochondrogenesis 2; Otospondylomegaepiphyseal dysplasia, autosomal dominant; Otospondylomegaepiphyseal dysplasia, autosomal recessive. Review status: criteria provided, single submitter. Criteria: ACMG Guidelines, 2015. Collection method: clinical testing. Allele origin: germline.
Comment: Absent from controls (or at extremely low frequency if recessive) in Genome Aggregation Database.;Multiple lines of computational evidence support a deleterious effect on the gene or gene product.;Missense variant in a gene that has a low rate of benign missense variation.

NM_080680.3(COL11A2):c.3118C>T (p.Pro1040Ser)

Gene: COL11A2 (collagen type XI alpha 2 chain; minus strand). Cytogenetic location: 6p21.32.
Variant type: single nucleotide variant.
Coding change: c.3118C>T on transcript NM_080680.3 (MANE Select); coding-DNA position 3118, C replaced by T.
Protein change: p.Pro1040Ser; replaces proline 1040 with serine.
Molecular consequence: missense variant.
Genome position (GRCh38, 1-based): chr6:33,171,745, G>A on the plus strand (C>T on the coding strand, the complement: COL11A2 is on the minus strand). VCF-style: chr6-33171745-G-A. GRCh37 (hg19) VCF-style: chr6-33139522-G-A.
Other names: c.2797C>T, p.Pro933Ser (NM_080679.3); c.2860C>T, p.Pro954Ser (NM_080681.3); short protein forms P954S, P933S, P1040S.
Identifiers: ClinVar variation 2117389 (VCV002117389.7), dbSNP rs759919085, ClinGen allele CA363636456.